The following is an entry in ClinVar:

ClinVar aggregate classification (germline): Pathogenic/Likely pathogenic. Review status: criteria provided, multiple submitters, no conflicts (2 of 4 stars). 8 submissions from 8 submitters: Pathogenic (5); Likely pathogenic (3). Last evaluated 2025-10-15.

Conditions:
Retinitis pigmentosa 28 (RP28). Identifiers: Orphanet 791, MedGen C1419614, MONDO:0011630, OMIM 606068.
FAM161A-related disorder. Also called: FAM161A-related condition.
Retinitis pigmentosa (RP). Identifiers: Orphanet 791, MedGen C0035334, MeSH D012174, MONDO:0019200, OMIM 268000. Inheritance: Autosomal dominant, autosomal recessive and X linked inheritance.

Allele frequency attached by ClinVar (database versions not stated): gnomAD below 0.00001 and 0.00001; gnomAD exomes 0.00001 and 0.00002.
gnomAD v4.1: 24 of 1,614,058 alleles (0.0015%); highest among the groups gnomAD compares: Admixed American, 0.005%; no homozygotes.

Submissions (8):

Natera, Inc.
Classification: Pathogenic for Retinitis pigmentosa type 28. Last evaluated: 2025-10-15. Review status: criteria provided, single submitter. Criteria: Natera Variant Classification Schema (03/2026). Collection method: clinical testing. Allele origin: germline.
Comment: The c.847C>T variant in FAM161A is a nonsense variant predicted to introduce a stop codon at amino acid 283. This variant is expected to result in nonsense mediated decay, truncation, or a dysfunctional protein product. This variant is rare in the general population with a frequency below the threshold expected for the associated phenotype(s). This variant has been observed in one or more individuals affected with the associated recessive disease, as either homozygous or compound heterozygous with a second variant (PMID: 32531858). Given the available evidence, this variant is classified as Pathogenic.

3billion
Classification: Pathogenic for Retinitis pigmentosa 28. Last evaluated: 2025-02-13. Review status: criteria provided, single submitter. Criteria: ACMG Guidelines, 2015. Collection method: clinical testing. Allele origin: germline. Affected: yes.
Comment: The variant is observed at an extremely low frequency in the gnomAD v4.1.0 dataset (total allele frequency: 0.001%). Predicted Consequence/Location: Stop-gained (nonsense): predicted to result in a loss or disruption of normal protein function through nonsense-mediated decay (NMD) or protein truncation. Multiple pathogenic variants are reported downstream of the variant. The variant has been reported at least twice as pathogenic with clinical assertions and evidence for the classification (ClinVar ID: VCV000546864 /PMID: 31589614 /3billion dataset). Therefore, this variant is classified as Pathogenic according to the recommendation of ACMG/AMP guideline.

Blueprint Genetics
Classification: Pathogenic for FAM161A-related disorders. Last evaluated: 2024-10-08. Review status: criteria provided, single submitter. Criteria: ACMG Guidelines, 2015. Collection method: clinical testing. Allele origin: germline. Affected: yes. Observed: 5 variant alleles.

Labcorp Genetics (formerly Invitae), Labcorp
Classification: Pathogenic. Last evaluated: 2024-02-24. Review status: criteria provided, single submitter. Criteria: Invitae Variant Classification Sherloc (09022015). Collection method: clinical testing. Allele origin: germline.
Comment: This sequence change creates a premature translational stop signal (p.Arg283*) in the FAM161A gene. It is expected to result in an absent or disrupted protein product. Loss-of-function variants in FAM161A are known to be pathogenic (PMID: 20705278, 20705279, 24651477). This variant is present in population databases (rs748847284, gnomAD 0.006%). This variant has not been reported in the literature in individuals affected with FAM161A-related conditions. ClinVar contains an entry for this variant (Variation ID: 546864). For these reasons, this variant has been classified as Pathogenic.

Fulgent Genetics
Classification: Likely pathogenic for Retinitis pigmentosa 28. Last evaluated: 2021-07-20. Review status: criteria provided, single submitter. Criteria: ACMG Guidelines, 2015. Collection method: clinical testing. Allele origin: unknown.

Molecular Genetics Laboratory, Institute for Ophthalmic Research
Classification: Pathogenic for Retinitis pigmentosa. Last evaluated: 2020-01-09. Review status: criteria provided, single submitter. Criteria: ACMG Guidelines, 2015. Collection method: research. Allele origin: germline. Affected: yes.

CeGaT Center for Human Genetics Tuebingen
Classification: Likely pathogenic. Last evaluated: 2018-07-01. Review status: criteria provided, single submitter. Criteria: CeGaT Center For Human Genetics Tuebingen Variant Classification Criteria Version 2. Collection method: clinical testing. Allele origin: germline. Affected: yes. Observed: 3 variant alleles.

Molecular Diagnostics Laboratory, M Health Fairview: University of Minnesota
Classification: Likely pathogenic for Retinitis pigmentosa 28. Last evaluated: 2017-11-27. Review status: criteria provided, single submitter. Criteria: ACMG Guidelines, 2015. Collection method: clinical testing. Allele origin: germline. Affected: yes. Observed: 1 variant allele.

Literature cited by the submitters: PubMed 32531858 (cited by Natera, Inc.); PubMed 31589614 (cited by 3billion); PubMed 20705278 (cited by Labcorp Genetics (formerly Invitae), Labcorp); PubMed 20705279 (cited by Labcorp Genetics (formerly Invitae), Labcorp); PubMed 24651477 (cited by Labcorp Genetics (formerly Invitae), Labcorp).

NM_001201543.2(FAM161A):c.847C>T (p.Arg283Ter)

Gene: FAM161A (FAM161 centrosomal protein A; minus strand). Cytogenetic location: 2p15.
Variant type: single nucleotide variant.
Coding change: c.847C>T on transcript NM_001201543.2 (MANE Select); coding-DNA position 847, C replaced by T.
Protein change: p.Arg283Ter; replaces arginine 283 with a stop codon.
Molecular consequence: nonsense. On other transcripts: non-coding transcript variant (1).
Genome position (GRCh38, 1-based): chr2:61,840,157, G>A on the plus strand (C>T on the coding strand, the complement: FAM161A is on the minus strand). VCF-style: chr2-61840157-G-A. GRCh37 (hg19) VCF-style: chr2-62067292-G-A.
Other names: c.847C>T, p.Arg283Ter (NM_032180.3); short protein forms R283*.
Identifiers: ClinVar variation 546864 (VCV000546864.55), dbSNP rs748847284, ClinGen allele CA1679264.